The following is an entry in ClinVar:

ClinVar aggregate classification (germline): Uncertain significance. Review status: criteria provided, multiple submitters, no conflicts (2 of 4 stars). 2 submissions from 2 submitters: Uncertain significance (2). Last evaluated 2024-03-01.

Conditions:
Epilepsy, progressive myoclonic, 1B. Also called: PME. Identifiers: Orphanet 308, MedGen C2676254, MONDO:0012904, OMIM 612437.

Allele frequency attached by ClinVar (database versions not stated): gnomAD exomes below 0.00001.
gnomAD v4.1: 2 of 1,614,012 alleles (0.00012%); highest among the groups gnomAD compares: South Asian, 0.0011%; no homozygotes.

Submissions (2):

CeGaT Center for Human Genetics Tuebingen
Classification: Uncertain significance. Last evaluated: 2024-03-01. Review status: criteria provided, single submitter. Criteria: CeGaT Center For Human Genetics Tuebingen Variant Classification Criteria Version 2. Collection method: clinical testing. Allele origin: germline. Affected: yes. Observed: 1 variant allele.
Comment: PRICKLE1: PM2, PM3:Supporting

Labcorp Genetics (formerly Invitae), Labcorp
Classification: Uncertain significance for Epilepsy, progressive myoclonic, 1B. Last evaluated: 2022-06-13. Review status: criteria provided, single submitter. Criteria: Invitae Variant Classification Sherloc (09022015). Collection method: clinical testing. Allele origin: germline.
Comment: In summary, the available evidence is currently insufficient to determine the role of this variant in disease. Therefore, it has been classified as a Variant of Uncertain Significance. Algorithms developed to predict the effect of missense changes on protein structure and function are either unavailable or do not agree on the potential impact of this missense change (SIFT: "Deleterious"; PolyPhen-2: "Probably Damaging"; Align-GVGD: "Class C15"). This variant has not been reported in the literature in individuals affected with PRICKLE1-related conditions. This variant is not present in population databases (gnomAD no frequency). This sequence change replaces arginine, which is basic and polar, with tryptophan, which is neutral and slightly polar, at codon 648 of the PRICKLE1 protein (p.Arg648Trp).

NM_153026.3(PRICKLE1):c.1942C>T (p.Arg648Trp)

Gene: PRICKLE1 (prickle planar cell polarity protein 1; minus strand). Cytogenetic location: 12q12.
Variant type: single nucleotide variant.
Coding change: c.1942C>T on transcript NM_153026.3 (MANE Select); coding-DNA position 1942, C replaced by T.
Protein change: p.Arg648Trp; replaces arginine 648 with tryptophan.
Molecular consequence: missense variant.
Genome position (GRCh38, 1-based): chr12:42,460,363, G>A on the plus strand (C>T on the coding strand, the complement: PRICKLE1 is on the minus strand). VCF-style: chr12-42460363-G-A. GRCh37 (hg19) VCF-style: chr12-42854165-G-A.
Other names: c.1942C>T, p.Arg648Trp (NM_001144881.2, NM_001144882.2, NM_001144883.2); short protein forms R648W.
Identifiers: ClinVar variation 1479977 (VCV001479977.27), dbSNP rs370129051, ClinGen allele CA384440544.
Genomic context (GRCh38, chr12:42,460,363, plus strand): 5'-ATCCCCTCTCTTCAAAATTGTAGACGCGTCTCCGAGTCCTTTCACTCATCGGAGGCTGCC[G>A]GATTTCAATGTCATAGTTCCCATTGTCAATGACATCATCAGAAAACTTGACCTGCTGGGG-3'
Protein context (NP_694571.2, residues 638-658): IDNGNYDIEI[Arg648Trp]QPPMSERTRR